The following is an entry in ClinVar:

ClinVar aggregate classification (germline): Conflicting classifications of pathogenicity. Review status: criteria provided, conflicting classifications (1 of 4 stars). 5 submissions from 5 submitters: Uncertain significance (1); Benign (2); Likely benign (1). 1 of the submissions does not count toward it. Last evaluated 2025-11-01.

Conditions:
Pancreatic cancer, susceptibility to, 1. Identifiers: Orphanet 1333, MedGen C1847351, MONDO:0011739, OMIM 606856.

Allele frequency attached by ClinVar (database versions not stated): 1000 Genomes Project 0.00100; 1000 Genomes Project 30x 0.00125; TOPMed 0.00287; gnomAD 0.00299 and 0.00331; ESP Exome Variant Server 0.00408; ExAC 0.00448; gnomAD exomes 0.00450 and 0.00462.
gnomAD v4.1: 7,072 of 1,610,754 alleles (0.44%); highest among the groups gnomAD compares: Middle Eastern, 1.5%; 50 homozygotes.

Submissions (5):

CeGaT Center for Human Genetics Tuebingen
Classification: Benign. Last evaluated: 2025-11-01. Review status: criteria provided, single submitter. Criteria: CeGaT Center For Human Genetics Tuebingen Variant Classification Criteria Version 2. Collection method: clinical testing. Allele origin: germline. Affected: yes. Observed: 3 variant alleles.
Comment: PALLD: BS1, BS2

Ambry Genetics
Classification: Likely benign. Last evaluated: 2022-09-16. Review status: criteria provided, single submitter. Criteria: Ambry Variant Classification Scheme 2023. Collection method: clinical testing. Allele origin: germline.

Illumina Laboratory Services, Illumina
Classification: Benign for Pancreatic cancer, susceptibility to, 1. Last evaluated: 2018-01-13. Review status: criteria provided, single submitter. Criteria: ICSL Variant Classification Criteria 13 December 2019. Collection method: clinical testing. Allele origin: germline.
Comment: This variant was observed in the ICSL laboratory as part of a predisposition screen in an ostensibly healthy population. It had not been previously curated by ICSL or reported in the Human Gene Mutation Database (HGMD: prior to June 1st, 2018), and was therefore a candidate for classification through an automated scoring system. Utilizing variant allele frequency, disease prevalence and penetrance estimates, and inheritance mode, an automated score was calculated to assess if this variant is too frequent to cause the disease. Based on the score and internal cut-off values, a variant classified as benign is not then subjected to further curation. The score for this variant resulted in a classification of benign for this disease.

GeneDx
Classification: Uncertain significance. Last evaluated: 2014-03-10. Review status: criteria provided, single submitter. Criteria: GeneDx Variant Classification (06012015). Collection method: clinical testing. Allele origin: germline. Affected: yes.
Comment: PALLD has been only recently described in association with cancer predisposition and the risks are not well understood. This variant is denoted PALLD c.1273A>T at the cDNA level, p.Thr425Ser (T425S) at the protein level, and results in the change of a Threonine to a Serine (ACT>TCT). This variant has not, to our knowledge, been published in the literature as pathogenic or benign. PALLD Thr425Ser was observed with an allele frequency of 0.6% (50/8600) in European Americans in the NHLBI Exome Sequencing Project, but is not frequent enough to be considered a polymorphism. This variant is a conservative amino acid substitution, altering a position that is well conserved throughout evolution and is not located in a known functional domain. In silico analyses are inconsistent with regard to the effect this variant may have on protein structure and function. At a molecular level, the impact of this missense variant on protein structure and function is not known and thus we consider this to be a variant of uncertain significance. Furthermore, based on the currently available information, cancer risks associated with this variant, and the PALLD gene, remain unclear.

Department of Pathology and Laboratory Medicine, Sinai Health System
Classification: Benign. Review status: no assertion criteria provided. Collection method: clinical testing. Allele origin: unknown. Affected: yes. Study: The Canadian Open Genetics Repository (COGR). Not counted in ClinVar's aggregate classification.
Comment: The PALLD p.Thr425Ser variant was not identified in the literature nor was it identified in Cosmic. The variant was identified in dbSNP (ID: rs140454899), LOVD 3.0 and ClinVar (classified as uncertain significance by GeneDx and likely benign by Illumina). The variant was identified in control databases in 1184 of 268280 chromosomes (10 homozygous) at a frequency of 0.004413 increasing the likelihood this could be a low frequency benign variant (Genome Aggregation Database March 6, 2019, v2.1.1). The variant was observed in the following populations: Ashkenazi Jewish in 146 of 9862 chromosomes (freq: 0.0148), South Asian in 359 of 30524 chromosomes (freq: 0.01176), Other in 39 of 6704 chromosomes (freq: 0.005817), European (non-Finnish) in 573 of 118148 chromosomes (freq: 0.00485), Latino in 46 of 35108 chromosomes (freq: 0.00131), African in 16 of 23610 chromosomes (freq: 0.000678) and European (Finnish) in 5 of 25076 chromosomes (freq: 0.000199), but was not observed in the East Asian population. The p.Thr425 residue is conserved across mammals and other organisms, and four out of five computational analyses (PolyPhen-2, SIFT, AlignGVGD, BLOSUM, MutationTaster) suggest that the variant may impact the protein; however, this information is not predictive enough to assume pathogenicity. The variant occurs outside of the splicing consensus sequence and in silico or computational prediction software programs (SpliceSiteFinder, MaxEntScan, NNSPLICE, GeneSplicer) do not predict a difference in splicing. In summary, based on the above information this variant meets our laboratory's criteria to be classified as benign.

NM_001166108.2(PALLD):c.1273A>T (p.Thr425Ser)

Gene: PALLD (palladin, cytoskeletal associated protein; plus strand). Cytogenetic location: 4q32.3.
Variant type: single nucleotide variant.
Coding change: c.1273A>T on transcript NM_001166108.2 (MANE Select); coding-DNA position 1273, A replaced by T.
Protein change: p.Thr425Ser; replaces threonine 425 with serine.
Molecular consequence: missense variant.
Genome position (GRCh38, 1-based): chr4:168,685,497, A>T. VCF-style: chr4-168685497-A-T. GRCh37 (hg19) VCF-style: chr4-169606648-A-T.
Other names: p.T425S:ACT>TCT; c.127A>T, p.Thr43Ser (NM_001166109.2); c.1273A>T, p.Thr425Ser (NM_016081.4); short protein forms T425S, T43S.
Identifiers: ClinVar variation 128095 (VCV000128095.46), dbSNP rs140454899, ClinGen allele CA288342.
Genomic context (GRCh38, chr4:168,685,497, plus strand): 5'-GGCAATTTATATATTTAGAATTTGATCCATATGTCTCTGCTTTTGCAGGTTCACAGTCCA[A>T]CTTCATATCTCTGCCGACCTGATGGAACCACTACTGCCTACTTTCCTCCTGTTTTTACAA-3'
Protein context (NP_001159580.1, residues 415-435): SVPVQQVHSP[Thr425Ser]SYLCRPDGTT